The following is an entry in ClinVar:

ClinVar aggregate classification (germline): Likely benign (1 of 4 stars; one submission).

Allele frequency attached by ClinVar (database versions not stated): gnomAD exomes 0.00001.
gnomAD v4.1: 15 of 1,613,520 alleles (0.00093%); highest among the groups gnomAD compares: African/African-American, 0.0013%; no homozygotes.

Submission:

CeGaT Center for Human Genetics Tuebingen
Classification: Likely benign. Last evaluated: 2023-01-01. Review status: criteria provided, single submitter. Criteria: CeGaT Center For Human Genetics Tuebingen Variant Classification Criteria Version 2. Collection method: clinical testing. Allele origin: germline. Affected: yes. Observed: 1 variant allele.
Comment: SIL1: PM2:Supporting, BP4, BP7

NM_022464.5(SIL1):c.1224C>T (p.Cys408=)

Gene: SIL1 (SIL1 nucleotide exchange factor; minus strand). Cytogenetic location: 5q31.2.
Variant type: single nucleotide variant.
Coding change: c.1224C>T on transcript NM_022464.5 (MANE Select); coding-DNA position 1224, C replaced by T.
Protein change: p.Cys408=; no amino-acid change (cysteine 408 retained).
Molecular consequence: synonymous variant.
Genome position (GRCh38, 1-based): chr5:138,947,279, G>A on the plus strand (C>T on the coding strand, the complement: SIL1 is on the minus strand). VCF-style: chr5-138947279-G-A. GRCh37 (hg19) VCF-style: chr5-138282968-G-A.
Other names: c.1224C>T, p.Cys408= (NM_001037633.2).
Identifiers: ClinVar variation 2498981 (VCV002498981.28), dbSNP rs1766654534, ClinGen allele CA446793503.
Genomic context (GRCh38, chr5:138,947,279, plus strand): 5'-CTCAGCCTGCAGGCTGGCCAGTGTCCTGCCGAGCTGGGGGTCCTGACGGTAGCGGTCCCG[G>A]CAGGTGGTCAGGAGGACGCCCAGTGTCTGCAGCACCTTCTCACGGGCATCATGCTCGGGC-3'
Protein context (NP_071909.1, residues 398-418): LQTLGVLLTT[Cys408=]RDRYRQDPQL